The following is an entry in ClinVar:

ClinVar aggregate classification (germline): Benign/Likely benign. Review status: criteria provided, multiple submitters, no conflicts (2 of 4 stars). 12 submissions from 12 submitters: Benign (7); Likely benign (2). 3 of the submissions do not count toward it. Last evaluated 2026-02-03.

Conditions:
Inborn genetic diseases. Identifiers: MedGen C0950123, MeSH D030342.
Hereditary spastic paraplegia 30. Identifiers: Orphanet 101010, MedGen C5235139, MONDO:0012476.
Neuropathy, hereditary sensory, type 2C. Also called: Hereditary sensory and autonomic neuropathy type IIC; KIF1A-Related HSAN2 (HSAN2C). Identifiers: Orphanet 970, MedGen C3280168, MONDO:0013634, OMIM 614213.
Intellectual disability, autosomal dominant 9 (NESCAVS). Also called: NESCAV SYNDROME; KIF1A-Related Neurodevelopmental Disorder. Identifiers: Orphanet 662367, MedGen C5393830, MONDO:0013656, OMIM 614255.
Hereditary spastic paraplegia. Also called: Familial spastic paraparesis. Identifiers: Orphanet 685, MedGen C0037773, MONDO:0019064. Disease mechanism: loss of function.

Allele frequency attached by ClinVar (database versions not stated): ExAC 0.00589; ESP Exome Variant Server 0.00669; gnomAD 0.00819 and 0.00862; 1000 Genomes Project 0.00919; 1000 Genomes Project 30x 0.00984; TOPMed 0.01003; gnomAD exomes 0.00353.
gnomAD v4.1: 4,130 of 1,605,664 alleles (0.26%); highest among the groups gnomAD compares: African/African-American, 2.3%; 38 homozygotes.

Submissions (12):

Labcorp Genetics (formerly Invitae), Labcorp
Classification: Benign for Hereditary spastic paraplegia 30; Neuropathy, hereditary sensory, type 2C; Intellectual disability, autosomal dominant 9. Last evaluated: 2026-02-03. Review status: criteria provided, single submitter. Criteria: Invitae Variant Classification Sherloc (09022015). Collection method: clinical testing. Allele origin: germline.

ARUP Laboratories, Molecular Genetics and Genomics, ARUP Laboratories
Classification: Benign. Last evaluated: 2025-05-15. Review status: criteria provided, single submitter. Criteria: ARUP Molecular Germline Variant Investigation Process 2024. Collection method: clinical testing. Allele origin: germline.

Genetic Services Laboratory, University of Chicago
Classification: Benign. Last evaluated: 2021-03-01. Review status: criteria provided, single submitter. Criteria: ACMG Guidelines, 2015. Collection method: clinical testing. Allele origin: germline. Affected: no.

Genome Diagnostics Laboratory, The Hospital for Sick Children
Classification: Benign for Hereditary spastic paraplegia. Last evaluated: 2021-02-22. Review status: criteria provided, single submitter. Criteria: ACMG Guidelines, 2015. Collection method: clinical testing. Allele origin: germline. Affected: yes.

Illumina Laboratory Services, Illumina
Classification: Likely benign for Spastic paraplegia 30A, autosomal dominant. Last evaluated: 2018-01-13. Review status: criteria provided, single submitter. Criteria: ICSL Variant Classification Criteria 13 December 2019. Collection method: clinical testing. Allele origin: germline.
Comment: This variant was observed in the ICSL laboratory as part of a predisposition screen in an ostensibly healthy population. It had not been previously curated by ICSL or reported in the Human Gene Mutation Database (HGMD: prior to June 1st, 2018), and was therefore a candidate for classification through an automated scoring system. Utilizing variant allele frequency, disease prevalence and penetrance estimates, and inheritance mode, an automated score was calculated to assess if this variant is too frequent to cause the disease. Based on the score and internal cut-off values, a variant classified as likely benign is not then subjected to further curation. The score for this variant resulted in a classification of likely benign for this disease.

Ambry Genetics
Classification: Benign for Inborn genetic diseases. Last evaluated: 2016-05-14. Review status: criteria provided, single submitter. Criteria: Ambry Variant Classification Scheme 2023. Collection method: clinical testing. Allele origin: germline.

Mayo Clinic Laboratories, Mayo Clinic
Classification: Benign. Last evaluated: 2016-05-13. Review status: criteria provided, single submitter. Criteria: ACMG Guidelines, 2015. Collection method: clinical testing. Allele origin: germline. Observed: 9 variant alleles.

GeneDx
Classification: Benign. Last evaluated: 2015-03-03. Review status: criteria provided, single submitter. Criteria: GeneDx Variant Classification Process June 2021. Collection method: clinical testing. Allele origin: germline. Affected: yes.

Breakthrough Genomics
Classification: Likely benign. Review status: criteria provided, single submitter. Criteria: ACMG Guidelines, 2015. Collection method: not provided. Allele origin: germline. Inheritance: Autosomal recessive inheritance. Affected: yes.

Clinical Genetics DNA and cytogenetics Diagnostics Lab, Erasmus MC, Erasmus Medical Center
Classification: Benign. Review status: no assertion criteria provided. Collection method: clinical testing. Allele origin: germline. Affected: yes. Study: VKGL Data-share Consensus. Not counted in ClinVar's aggregate classification.

Clinical Genetics, Academic Medical Center
Classification: Likely benign. Review status: no assertion criteria provided. Collection method: clinical testing. Allele origin: germline. Affected: yes. Study: VKGL Data-share Consensus. Not counted in ClinVar's aggregate classification.

Joint Genome Diagnostic Labs from Nijmegen and Maastricht, Radboudumc and MUMC+
Classification: Benign. Review status: no assertion criteria provided. Collection method: clinical testing. Allele origin: germline. Affected: yes. Study: VKGL Data-share Consensus. Not counted in ClinVar's aggregate classification.

NM_001244008.2(KIF1A):c.4812C>A (p.Thr1604=)

Gene: KIF1A (kinesin family member 1A; minus strand). Cytogenetic location: 2q37.3.
Variant type: single nucleotide variant.
Coding change: c.4812C>A on transcript NM_001244008.2 (MANE Select); coding-DNA position 4812, C replaced by A.
Protein change: p.Thr1604=; no amino-acid change (threonine 1604 retained).
Molecular consequence: synonymous variant.
Genome position (GRCh38, 1-based): chr2:240,720,970, G>T on the plus strand (C>A on the coding strand, the complement: KIF1A is on the minus strand). VCF-style: chr2-240720970-G-T. GRCh37 (hg19) VCF-style: chr2-241660387-G-T.
Other names: p.Thr1503=; c.4536C>A, p.Thr1512= (NM_001320705.2, NM_001379649.1); c.4563C>A, p.Thr1521= (NM_001330289.2); c.4611C>A, p.Thr1537= (NM_001330290.2, NM_001379648.1); c.4887C>A, p.Thr1629= (NM_001379631.1); c.4788C>A, p.Thr1596= (NM_001379632.1); c.4785C>A, p.Thr1595= (NM_001379633.1, NM_001379645.1); c.4638C>A, p.Thr1546= (NM_001379634.1); and 9 more.
Identifiers: ClinVar variation 129395 (VCV000129395.47), dbSNP rs76974316, ClinGen allele CA153377.